The following is an entry in ClinVar:

NM_016507.4(CDK12):c.2912C>G (p.Thr971Ser)

Gene: CDK12 (cyclin dependent kinase 12; plus strand). Cytogenetic location: 17q12.
Variant type: single nucleotide variant.
Coding change: c.2912C>G on transcript NM_016507.4 (MANE Select); coding-DNA position 2912, C replaced by G.
Protein change: p.Thr971Ser; replaces threonine 971 with serine.
Molecular consequence: missense variant.
Genome position (GRCh38, 1-based): chr17:39,517,505, C>G. VCF-style: chr17-39517505-C-G. GRCh37 (hg19) VCF-style: chr17-37673758-C-G.
Other names: c.2912C>G, p.Thr971Ser (NM_015083.4); short protein forms T971S.
Identifiers: ClinVar variation 3830664 (VCV003830664.1).
Genomic context (GRCh38, chr17:39,517,505, plus strand): 5'-TTTGTGGTAGCCCTTGTCCAGCTGTGTGGCCTGATGTTATCAAACTGCCCTACTTCAACA[C>G]CATGAAACCGAAGAAGCAATATCGAAGGCGTCTACGAGAAGAATTCTCTTTGTGAGTTTG-3'
Protein context (NP_057591.2, residues 961-981): PDVIKLPYFN[Thr971Ser]MKPKKQYRRR

ClinVar aggregate classification (germline): Uncertain significance (1 of 4 stars; one submission).

gnomAD v4.1: 5 of 1,613,504 alleles (0.00031%); highest among the groups gnomAD compares: Non-Finnish European, 0.00042%; no homozygotes.

Submission:

Ambry Genetics
Classification: Uncertain significance. Last evaluated: 2025-02-15. Review status: criteria provided, single submitter. Criteria: Ambry Variant Classification Scheme 2023. Collection method: clinical testing. Allele origin: germline.
Comment: The p.T971S variant (also known as c.2912C>G), located in coding exon 10 of the CDK12 gene, results from a C to G substitution at nucleotide position 2912. The threonine at codon 971 is replaced by serine, an amino acid with similar properties. This amino acid position is conserved. In addition, this alteration is predicted to be tolerated by in silico analysis. Based on the available evidence, the clinical significance of this variant remains unclear.